The following is an entry in ClinVar:

ClinVar aggregate classification (germline): Pathogenic/Likely pathogenic. Review status: criteria provided, multiple submitters, no conflicts (2 of 4 stars). 2 submissions from 2 submitters: Pathogenic (1); Likely pathogenic (1). Last evaluated 2022-09-26.

Conditions:
Farber lipogranulomatosis (FRBRL). Also called: AC DEFICIENCY; ACID CERAMIDASE DEFICIENCY; CERAMIDASE DEFICIENCY; N-LAURYLSPHINGOSINE DEACYLASE DEFICIENCY; Farber's lipogranulomatosis; Farber's disease. Identifiers: Orphanet 333, MedGen C0268255, MONDO:0009218, OMIM 228000.

Allele frequency attached by ClinVar (database versions not stated): TOPMed below 0.00001; ExAC 0.00001; gnomAD exomes 0.00001.

Submissions (2):

Labcorp Genetics (formerly Invitae), Labcorp
Classification: Pathogenic. Last evaluated: 2022-09-26. Review status: criteria provided, single submitter. Criteria: Invitae Variant Classification Sherloc (09022015). Collection method: clinical testing. Allele origin: germline.
Comment: This variant is present in population databases (rs763842677, gnomAD 0.006%). Disruption of this splice site has been observed in individual(s) with clinical features of Farber lipogranulomatosis (PMID: 11241842). This variant is also known as IVS13+1G>T. ClinVar contains an entry for this variant (Variation ID: 812507). Variants that disrupt the consensus splice site are a relatively common cause of aberrant splicing (PMID: 17576681, 9536098). Studies have shown that disruption of this splice site results in skipping of exon 13, but is expected to preserve the integrity of the reading-frame (PMID: 11241842). This variant disrupts a region of the ASAH1 protein in which other variant(s) (p.Pro362Arg) have been determined to be pathogenic (PMID: 10610716, 23681708, 24164096, 29379059, 32449975). This suggests that this is a clinically significant region of the protein, and that variants that disrupt it are likely to be disease-causing. For these reasons, this variant has been classified as Pathogenic. This sequence change affects a donor splice site in intron 13 of the ASAH1 gene. RNA analysis indicates that disruption of this splice site induces altered splicing and likely results in a shortened protein product.

Medical Affairs, Dicerna Pharmaceuticals
Classification: Likely pathogenic for Farber lipogranulomatosis. Last evaluated: 2019-07-01. Review status: criteria provided, single submitter. Criteria: ACMG Guidelines, 2015. Collection method: literature only. Allele origin: unknown. Inheritance: Autosomal recessive inheritance. Affected: yes. Observed: 1 variant allele.
Comment: Variant c.1098+1G>T is likely pathogenic. The PCR product derived from the 3' portion of the acid cermidase (AC) cDNA (nucleotides 614 to 1236) was found to be smaller compared to the wild type control, indicating a deletion. Sequencing of the open reading frame revealed a deletion of nucleotides 1042 - 1098, which corresponds to exon 13 of the AC gene. This deletion of 19 amino acids (348 to 366) in the beta-subunit leads to a mutated and truncated protein, but no frameshift abnormality. Sequencing of the genomic DNA showed the underlying mutation responsible for the exon deletion was a transversion, G>T, of the first nucleotide in intron 13 (c.1098+1G>T). A second variant has not been identified on the alternate allele. Additionally, transfected COS-1 cells were utilyzed to measure acid ceramidase activity of the mutant protein. The mutant enzyme activity of cells expressing c.1098+1G>T was significantly less than control cells.

Sequencing of the open reading frame revealed a deletion of nucleotides 1042 - 1098, which corresponds to exon 13 of the AC gene. This deletion of 19 amino acids (348 to 366) in the b subunit would lead to a mutated and truncated protein, but no frameshift abnormality. Sequencing of the genomic DNA showed that the underlying mutation responsible for the exon deletion was a transversion, g>t, of the first nucleotide in intron 13 (IVS13+1G>T).

Literature cited by the submitters: PubMed 11241842 (cited by Labcorp Genetics (formerly Invitae), Labcorp); PubMed 17576681 (cited by Labcorp Genetics (formerly Invitae), Labcorp); PubMed 9536098 (cited by Labcorp Genetics (formerly Invitae), Labcorp); PubMed 10610716 (cited by Labcorp Genetics (formerly Invitae), Labcorp); PubMed 23681708 (cited by Labcorp Genetics (formerly Invitae), Labcorp); PubMed 24164096 (cited by Labcorp Genetics (formerly Invitae), Labcorp); PubMed 29379059 (cited by Labcorp Genetics (formerly Invitae), Labcorp); PubMed 32449975 (cited by Labcorp Genetics (formerly Invitae), Labcorp); DOI 10.1002/humu.5 (cited by Medical Affairs, Dicerna Pharmaceuticals).

NM_177924.5(ASAH1):c.1098+1G>T

Gene: ASAH1 (N-acylsphingosine amidohydrolase 1; minus strand). Cytogenetic location: 8p22.
Variant type: single nucleotide variant.
Coding change: c.1098+1G>T on transcript NM_177924.5 (MANE Select); the canonical splice donor site of the intron after coding-DNA position 1098, G replaced by T.
Molecular consequence: splice donor variant.
Genome position (GRCh38, 1-based): chr8:18,058,834, C>A on the plus strand (G>T on the coding strand, the complement: ASAH1 is on the minus strand). VCF-style: chr8-18058834-C-A. GRCh37 (hg19) VCF-style: chr8-17916343-C-A.
Other names: c.1146+1G>T (NM_004315.6); c.1080+1G>T (NM_001127505.3); c.903+1G>T (NM_001363743.2).
Identifiers: ClinVar variation 812507 (VCV000812507.6), dbSNP rs763842677, ClinGen allele CA4650546.
Genomic context (GRCh38, chr8:18,058,834, plus strand): 5'-ATAAAACATAGGGCCAAATTCTTTCCCTAAAAGGCAAATATACATATAACATTTAAAATA[C>A]CTTGTTGAGGACAGGTTTTGTTGACAGGACATCATACATGGTTTCAAATGAGATATTCTA-3'